The following is an entry in ClinVar:

NM_033380.3(COL4A5):c.4016-2del

Gene: COL4A5 (collagen type IV alpha 5 chain; plus strand). Cytogenetic location: Xq22.3.
Variant type: Deletion.
Coding change: c.4016-2del on transcript NM_033380.3 (MANE Select); the canonical splice acceptor site of the intron before coding-DNA position 4016, one base deleted (A; older notation c.4016-2delA).
Molecular consequence: splice acceptor variant.
Genome position (GRCh38, 1-based): chrX:108,680,883, A deleted. VCF-style (leftmost placement, unchanged base first): chrX-108680882-CA-C. GRCh37 (hg19) VCF-style: chrX-107924112-CA-C.
Other names: c.3998-2del (NM_000495.5).
Identifiers: ClinVar variation 3254565 (VCV003254565.1), dbSNP rs2524613087.

ClinVar aggregate classification (germline): Pathogenic (1 of 4 stars; one submission).

Conditions:
X-linked Alport syndrome (ATS1). Also called: COL4A5-Related Nephropathy; NEPHROPATHY AND DEAFNESS, X-LINKED. Identifiers: Orphanet 63, Orphanet 88917, MedGen C4746986, MONDO:0010520, OMIM 301050.

Submission:

Victorian Clinical Genetics Services, Murdoch Childrens Research Institute
Classification: Pathogenic for X-linked Alport syndrome. Last evaluated: 2022-06-24. Review status: criteria provided, single submitter. Criteria: ACMG Guidelines, 2015. Collection method: clinical testing. Allele origin: germline. Inheritance: X-linked dominant inheritance. Affected: yes.
Comment: Based on the classification scheme VCGS_Germline_v1.3.4, this variant is classified as Pathogenic. Following criteria are met: 0103 - Dominant negative and loss of function are known mechanisms of disease in this gene and are associated with X-linked Alport syndrome 1 (MIM#301050). Dominant negative is caused mostly by glycine substitutions that affect the conformation of the protein, and loss of function can be caused by either protein truncating or missense variants (PMIDs: 24046192, 12028435). (I) 0110 - This gene is associated with X-linked dominant disease. Males are typically more severely affected than females (PMID: 19965530). (I) 0115 - Variants in this gene are known to have variable expressivity. There is intrafamilial variability among affected carrier females, possibly due to variable X-inactivation (PMID: 14514738). (I) 0211 - Canonical splice site variant without proven consequence on splicing (no functional evidence available). (SP) 0251 - This variant is heterozygous. (I) 0301 - Variant is absent from gnomAD (both v2 and v3). (SP) 0505 - Abnormal splicing is predicted by in silico tools and affected nucleotide is highly conserved. (SP) 0702 - Other canonical splice variants comparable to the one identified in this case have strong previous evidence for pathogenicity. Other variants in the same canonical splice region have been observed in hemizygous males and heterozygous females with X-linked alport syndrome (Clinvar, PMIDs: 18332068, 26014433, 17660027, 26633545). (SP) 0807 - This variant has no previous evidence of pathogenicity. (I) 0905 - No published segregation evidence has been identified for this variant. (I) 1007 - No published functional evidence has been identified for this variant. (I) 1208 - Inheritance information for this variant is not currently available in this individual. (I) Legend: (SP) - Supporting pathogenic, (I) - Information, (SB) - Supporting benign

Literature cited by the submitters: PubMed 12028435; PubMed 14514738; PubMed 17660027; PubMed 18332068; PubMed 19965530; PubMed 24046192; PubMed 26014433; PubMed 26633545.